The following is an entry in ClinVar:

ClinVar aggregate classification (germline): Conflicting classifications of pathogenicity. Review status: criteria provided, conflicting classifications (1 of 4 stars). 5 submissions from 4 submitters: Uncertain significance (3); Likely benign (1). 1 of the submissions does not count toward it. Last evaluated 2023-11-01.

Conditions:
POMGNT1-related disorder. Also called: POMGNT1-related disorders; POMGNT1-related condition. Identifiers: MedGen CN239299.
Congenital Muscular Dystrophy, alpha-dystroglycan related.
Autosomal recessive limb-girdle muscular dystrophy type 2O. Also called: Limb-Girdle Muscular Dystrophy Type 3C; MUSCULAR DYSTROPHY-DYSTROGLYCANOPATHY, LIMB-GIRDLE, POMGNT1-RELATED; MUSCULAR DYSTROPHY-DYSTROGLYCANOPATHY (LIMB-GIRDLE), TYPE C, 3. Identifiers: Orphanet 206564, MedGen C3150417, MONDO:0013161, OMIM 613157.

Allele frequency attached by ClinVar (database versions not stated): 1000 Genomes Project 30x 0.00016; 1000 Genomes Project 0.00020; ESP Exome Variant Server 0.00046; TOPMed 0.00052; gnomAD 0.00070 and 0.00076; ExAC 0.00094; gnomAD exomes 0.00107.
gnomAD v4.1: 929 of 1,600,536 alleles (0.058%); highest among the groups gnomAD compares: Middle Eastern, 0.017%; 13 homozygotes.

Submissions (5):

CeGaT Center for Human Genetics Tuebingen
Classification: Likely benign. Last evaluated: 2023-11-01. Review status: criteria provided, single submitter. Criteria: CeGaT Center For Human Genetics Tuebingen Variant Classification Criteria Version 2. Collection method: clinical testing. Allele origin: germline. Affected: yes. Observed: 1 variant allele.
Comment: POMGNT1: BP4, BS2

Illumina Laboratory Services, Illumina
Classification: Uncertain significance for Autosomal recessive limb-girdle muscular dystrophy type 2O. Last evaluated: 2017-04-27. Review status: criteria provided, single submitter. Criteria: ICSL Variant Classification Criteria 13 December 2019. Collection method: clinical testing. Allele origin: germline.

Illumina Laboratory Services, Illumina
Classification: Uncertain significance for Congenital Muscular Dystrophy, alpha-dystroglycan related. Last evaluated: 2017-04-27. Review status: criteria provided, single submitter. Criteria: ICSL Variant Classification Criteria 13 December 2019. Collection method: clinical testing. Allele origin: germline.

Breakthrough Genomics
Classification: Uncertain significance. Review status: criteria provided, single submitter. Criteria: ACMG Guidelines, 2015. Collection method: not provided. Allele origin: germline. Inheritance: Autosomal recessive inheritance. Affected: yes.

PreventionGenetics, part of Exact Sciences
Classification: Benign for POMGNT1-related condition. Last evaluated: 2019-08-19. Review status: no assertion criteria provided. Collection method: clinical testing. Allele origin: germline. Not counted in ClinVar's aggregate classification.
Comment: This variant is classified as benign based on ACMG/AMP sequence variant interpretation guidelines (Richards et al. 2015 PMID: 25741868, with internal and published modifications).

NM_017739.4(POMGNT1):c.*34G>A

Genes: POMGNT1 (protein O-linked mannose N-acetylglucosaminyltransferase 1 (beta 1,2-); minus strand), TSPAN1 (tetraspanin 1; plus strand). Cytogenetic location: 1p34.1.
Variant type: single nucleotide variant.
Coding change: c.*34G>A on transcript NM_017739.4 (MANE Select); 34 bases downstream of the stop codon, G replaced by A.
Molecular consequence: 3 prime UTR variant. On other transcripts: intron variant (6).
Genome position (GRCh38, 1-based): chr1:46,189,236, C>T on the plus strand (G>A on the coding strand, the complement: POMGNT1 is on the minus strand). VCF-style: chr1-46189236-C-T. GRCh37 (hg19) VCF-style: chr1-46654908-C-T.
Other names: c.*34G>A (NM_001437653.1, NM_001438689.1, NM_001438691.1 and 1 more transcripts); c.1985+6G>A (NM_001243766.2); c.1895+222G>A (NM_001438686.1, NM_001438688.1, NM_001410783.1); c.*28+6G>A (NM_001290129.3, NM_001290130.2).
Identifiers: ClinVar variation 873654 (VCV000873654.29), dbSNP rs200540049, ClinGen allele CA833170.
Genomic context (GRCh38, chr1:46,189,236, plus strand): 5'-CTACCAGCATCTACAAAATCCTACAGGATGGAGGGAAGGGCTAGCCAGCCTGGGGGTACA[C>T]AGTACCCAGCCCCGCAGGGTCCTGGAGGAGGTCTCATGTCTGTTCTGGGGCTCCTGGGGC-3'